The following is an entry in ClinVar:

ClinVar aggregate classification (germline): Pathogenic (1 of 4 stars; one submission).

Conditions:
Progressive sclerosing poliodystrophy (MTDPS4A). Also called: ALPERS PROGRESSIVE INFANTILE POLIODYSTROPHY; NEURONAL DEGENERATION OF CHILDHOOD WITH LIVER DISEASE, PROGRESSIVE; Mitochondrial DNA depletion syndrome 4A (Alpers type); Alpers Syndrome; ALPERS DIFFUSE DEGENERATION OF CEREBRAL GRAY MATTER WITH HEPATIC CIRRHOSIS; Alpers-Huttenlocher Syndrome. Identifiers: Orphanet 726, MedGen C0205710, MONDO:0008758, OMIM 203700.

Submission:

Labcorp Genetics (formerly Invitae), Labcorp
Classification: Pathogenic for Progressive sclerosing poliodystrophy. Last evaluated: 2022-12-20. Review status: criteria provided, single submitter. Criteria: Invitae Variant Classification Sherloc (09022015). Collection method: clinical testing. Allele origin: germline.
Comment: This sequence change creates a premature translational stop signal (p.Gln53*) in the POLG gene. It is expected to result in an absent or disrupted protein product. Loss-of-function variants in POLG are known to be pathogenic (PMID: 18546365). This variant is not present in population databases (gnomAD no frequency). This variant has not been reported in the literature in individuals affected with POLG-related conditions. For these reasons, this variant has been classified as Pathogenic.

Literature cited by the submitters: PubMed 18546365.

NM_002693.3(POLG):c.157C>T (p.Gln53Ter)

Genes: POLG (DNA polymerase gamma, catalytic subunit; minus strand), POLGARF (POLG alternative reading frame; minus strand). Cytogenetic location: 15q26.1.
Variant type: single nucleotide variant.
Coding change: c.157C>T on transcript NM_002693.3 (MANE Select); coding-DNA position 157, C replaced by T.
Protein change: p.Gln53Ter; replaces glutamine 53 with a stop codon.
Molecular consequence: nonsense.
Genome position (GRCh38, 1-based): chr15:89,333,598, G>A on the plus strand (C>T on the coding strand, the complement: POLG is on the minus strand). VCF-style: chr15-89333598-G-A. GRCh37 (hg19) VCF-style: chr15-89876829-G-A.
Other names: c.157C>T, p.Gln53Ter (NM_001126131.2); short protein forms Q53*.
Identifiers: ClinVar variation 2918608 (VCV002918608.3), dbSNP rs2509277006, ClinGen allele CA393774175.